The following is an entry in ClinVar:

NM_001205293.3(CACNA1E):c.3361C>T (p.Arg1121Cys)

Gene: CACNA1E (calcium voltage-gated channel subunit alpha1 E; plus strand). Cytogenetic location: 1q25.3.
Variant type: single nucleotide variant.
Coding change: c.3361C>T on transcript NM_001205293.3 (MANE Select); coding-DNA position 3361, C replaced by T.
Protein change: p.Arg1121Cys; replaces arginine 1121 with cysteine.
Molecular consequence: missense variant.
Genome position (GRCh38, 1-based): chr1:181,736,373, C>T. VCF-style: chr1-181736373-C-T. GRCh37 (hg19) VCF-style: chr1-181705509-C-T.
Other names: c.3361C>T, p.Arg1121Cys (NM_000721.4); c.3304C>T, p.Arg1102Cys (NM_001205294.2); c.3361C>T (NM_001205293.1); short protein forms R1102C, R1121C.
Identifiers: ClinVar variation 1536727 (VCV001536727.12), dbSNP rs376475241, ClinGen allele CA1275549.

ClinVar aggregate classification (germline): Benign/Likely benign. Review status: criteria provided, multiple submitters, no conflicts (2 of 4 stars). 5 submissions from 5 submitters: Benign (1); Likely benign (4). Last evaluated 2025-03-13.

Conditions:
Developmental and epileptic encephalopathy, 69. Also called: EPILEPTIC ENCEPHALOPATHY, EARLY INFANTILE, 69. Identifiers: MedGen C4748988, MONDO:0032657, OMIM 618285.
Inborn genetic diseases. Identifiers: MedGen C0950123, MeSH D030342.

Allele frequency attached by ClinVar (database versions not stated): gnomAD exomes 0.00006 and 0.00009; gnomAD 0.00007; TOPMed 0.00008; ExAC 0.00013; 1000 Genomes Project 30x 0.00016; ESP Exome Variant Server 0.00016; 1000 Genomes Project 0.00020.
gnomAD v4.1: 99 of 1,611,738 alleles (0.0061%); highest among the groups gnomAD compares: East Asian, 0.025%; no homozygotes.

Submissions (5):

Labcorp Genetics (formerly Invitae), Labcorp
Classification: Benign. Last evaluated: 2025-03-13. Review status: criteria provided, single submitter. Criteria: Invitae Variant Classification Sherloc (09022015). Collection method: clinical testing. Allele origin: germline.

Genome-Nilou Lab
Classification: Likely benign for Developmental and epileptic encephalopathy, 69. Last evaluated: 2023-04-11. Review status: criteria provided, single submitter. Criteria: ACMG Guidelines, 2015. Collection method: clinical testing. Allele origin: germline. Affected: no.

Ambry Genetics
Classification: Likely benign for Inborn genetic diseases. Last evaluated: 2022-08-04. Review status: criteria provided, single submitter. Criteria: Ambry Variant Classification Scheme 2023. Collection method: clinical testing. Allele origin: germline.

GeneDx
Classification: Likely benign. Last evaluated: 2021-11-03. Review status: criteria provided, single submitter. Criteria: GeneDx Variant Classification Process June 2021. Collection method: clinical testing. Allele origin: germline. Affected: yes.
Comment: See Variant Classification Assertion Criteria.

Breakthrough Genomics
Classification: Likely benign. Review status: criteria provided, single submitter. Criteria: ACMG Guidelines, 2015. Collection method: not provided. Allele origin: germline. Inheritance: Autosomal dominant inheritance. Affected: yes.